The following is an entry in ClinVar:

ClinVar aggregate classification (germline): Uncertain significance (1 of 4 stars; one submission).

Conditions:
Hereditary cancer-predisposing syndrome. Also called: Neoplastic Syndromes, Hereditary; Tumor predisposition; Hereditary neoplastic syndrome; Hereditary Cancer Syndrome. Identifiers: Orphanet 140162, MedGen C0027672, MeSH D009386, MONDO:0015356.

gnomAD v4.1: 1 of 1,612,870 alleles (0.000062%); highest among the groups gnomAD compares: Non-Finnish European, 0.000085%; no homozygotes.

Submission:

Ambry Genetics
Classification: Uncertain significance for Hereditary cancer-predisposing syndrome. Last evaluated: 2026-06-29. Review status: criteria provided, single submitter. Criteria: Ambry Variant Classification Scheme 2023. Collection method: clinical testing. Allele origin: germline.
Comment: The c.555A>C variant (also known as p.P185P), located in coding exon 4 of the BARD1 gene, results from an A to C substitution at nucleotide position 555. This nucleotide substitution does not change the proline at codon 185. This nucleotide position is not well conserved in available vertebrate species. In silico splice site analysis predicts that this alteration may result in the creation or strengthening of a novel splice acceptor site; however, direct evidence is insufficient at this time (Ambry internal data). Based on the available evidence, the clinical significance of this variant remains unclear.

NM_000465.4(BARD1):c.555A>C (p.Pro185=)

Gene: BARD1 (BRCA1 associated RING domain 1; minus strand). Cytogenetic location: 2q35.
Variant type: single nucleotide variant.
Coding change: c.555A>C on transcript NM_000465.4 (MANE Select); coding-DNA position 555, A replaced by C.
Protein change: p.Pro185=; no amino-acid change (proline 185 retained).
Molecular consequence: synonymous variant. On other transcripts: non-coding transcript variant (2), intron variant (3).
Genome position (GRCh38, 1-based): chr2:214,781,319, T>G on the plus strand (A>C on the coding strand, the complement: BARD1 is on the minus strand). VCF-style: chr2-214781319-T-G. GRCh37 (hg19) VCF-style: chr2-215646043-T-G.
Other names: c.498A>C, p.Pro166= (NM_001282543.2); c.158+28093A>C (NM_001282548.2); c.215+15742A>C (NM_001282545.2); c.364+10978A>C (NM_001282549.2).
Identifiers: ClinVar variation 5032776 (VCV005032776.1).
Genomic context (GRCh38, chr2:214,781,319, plus strand): 5'-CTTTTTTCCAGATCTTGCAGAAGCCTTTTTAGCCCTCTCAGAAACATCTGCAGGAGGACT[T>G]GGGGAAACAAATTCATATGAGTCTTGCTGAGCACTTGCATCTTTTTTTATTGCAGGCTGG-3'
Protein context (NP_000456.2, residues 175-195): AQQDSYEFVS[Pro185=]SPPADVSERA